The following is an entry in ClinVar:

ClinVar aggregate classification (germline): Uncertain significance. Review status: criteria provided, multiple submitters, no conflicts (2 of 4 stars). 2 submissions from 2 submitters: Uncertain significance (2). Last evaluated 2024-12-31.

Conditions:
Cardiovascular phenotype. Identifiers: MedGen CN230736.

Submissions (2):

GeneDx
Classification: Uncertain significance. Last evaluated: 2024-12-31. Review status: criteria provided, single submitter. Criteria: GeneDx Variant Classification Process June 2021. Collection method: clinical testing. Allele origin: germline. Affected: yes.
Comment: Not observed at significant frequency in large population cohorts (gnomAD); Missense variant in a gene in which most reported pathogenic variants are truncating/loss of function; Has not been previously published as pathogenic or benign to our knowledge

Ambry Genetics
Classification: Uncertain significance for Cardiovascular phenotype. Last evaluated: 2020-03-12. Review status: criteria provided, single submitter. Criteria: Ambry Variant Classification Scheme 2023. Collection method: clinical testing. Allele origin: germline.
Comment: The p.R16999G variant (also known as c.50995A>G), located in coding exon 153 of the TTN gene, results from an A to G substitution at nucleotide position 50995. The arginine at codon 16999 is replaced by glycine, an amino acid with dissimilar properties. This amino acid position is highly conserved in available vertebrate species. In addition, the in silico prediction for this alteration is inconclusive. Since supporting evidence is limited at this time, the clinical significance of this alteration remains unclear.

NM_001267550.2(TTN):c.78190A>G (p.Arg26064Gly)

Genes: TTN (titin; minus strand), TTN-AS1 (TTN antisense RNA 1; plus strand). Cytogenetic location: 2q31.2.
Variant type: single nucleotide variant.
Coding change: c.78190A>G on transcript NM_001267550.2 (MANE Select); coding-DNA position 78190, A replaced by G.
Protein change: p.Arg26064Gly; replaces arginine 26064 with glycine.
Molecular consequence: missense variant.
Genome position (GRCh38, 1-based): chr2:178,567,942, T>C on the plus strand (A>G on the coding strand, the complement: TTN is on the minus strand). VCF-style: chr2-178567942-T-C. GRCh37 (hg19) VCF-style: chr2-179432669-T-C.
Other names: c.73267A>G, p.Arg24423Gly (NM_001256850.1); c.50995A>G, p.Arg16999Gly (NM_003319.4); c.70486A>G, p.Arg23496Gly (NM_133378.4); c.51370A>G, p.Arg17124Gly (NM_133432.3); c.51571A>G, p.Arg17191Gly (NM_133437.4); short protein forms R23496G, R24423G, R16999G, R17124G, R26064G, R17191G.
Identifiers: ClinVar variation 1745306 (VCV001745306.3), dbSNP rs767325298, ClinGen allele CA1989649.